The following is an entry in ClinVar:

NM_001244710.2(GFPT1):c.1105+2T>C

Gene: GFPT1 (glutamine--fructose-6-phosphate transaminase 1; minus strand). Cytogenetic location: 2p13.3.
Variant type: single nucleotide variant.
Coding change: c.1105+2T>C on transcript NM_001244710.2 (MANE Select); the canonical splice donor site of the intron after coding-DNA position 1105, T replaced by C.
Molecular consequence: splice donor variant.
Genome position (GRCh38, 1-based): chr2:69,345,902, A>G on the plus strand (T>C on the coding strand, the complement: GFPT1 is on the minus strand). VCF-style: chr2-69345902-A-G. GRCh37 (hg19) VCF-style: chr2-69573034-A-G.
Other names: c.1051+2T>C (NM_002056.4).
Identifiers: ClinVar variation 4735929 (VCV004735929.1).

ClinVar aggregate classification (germline): Likely pathogenic (1 of 4 stars; one submission).

Conditions:
Congenital myasthenic syndrome 12 (CMS12). Also called: MYASTHENIC SYNDROME, CONGENITAL, WITH TUBULAR AGGREGATES 1; Myasthenia, congenital, 12, with tubular aggregates. Identifiers: Orphanet 353327, Orphanet 590, MedGen C3552335, MONDO:0012518, OMIM 610542.

Submission:

Labcorp Genetics (formerly Invitae), Labcorp
Classification: Likely pathogenic for Congenital myasthenic syndrome 12. Last evaluated: 2026-01-21. Review status: criteria provided, single submitter. Criteria: Invitae Variant Classification Sherloc (09022015). Collection method: clinical testing. Allele origin: germline.
Comment: This sequence change affects a donor splice site in intron 12 of the GFPT1 gene. It is expected to disrupt RNA splicing. Variants that disrupt the donor or acceptor splice site typically lead to a loss of protein function (PMID: 16199547), and loss-of-function variants in GFPT1 are known to be pathogenic (PMID: 23794683). This variant is not present in population databases (gnomAD no frequency). This variant has not been reported in the literature in individuals affected with GFPT1-related conditions. Algorithms developed to predict the effect of sequence changes on RNA splicing suggest that this variant may disrupt the consensus splice site. In summary, the currently available evidence indicates that the variant is pathogenic, but additional data are needed to prove that conclusively. Therefore, this variant has been classified as Likely Pathogenic.

Literature cited by the submitters: PubMed 16199547; PubMed 23794683.